The following is an entry in ClinVar:

ClinVar aggregate classification (germline): Pathogenic. Review status: criteria provided, multiple submitters, no conflicts (2 of 4 stars). 3 submissions from 3 submitters: Pathogenic (3). Last evaluated 2025-12-11.

Conditions:
Familial adenomatous polyposis 4 (FAP4). Also called: MSH3-related attenuated familial adenomatous polyposis. Identifiers: Orphanet 480536, MedGen C4310719, MONDO:0044300, OMIM 617100.
Hereditary cancer-predisposing syndrome. Also called: Tumor predisposition; Hereditary neoplastic syndrome; Neoplastic Syndromes, Hereditary; Hereditary Cancer Syndrome. Identifiers: Orphanet 140162, MedGen C0027672, MeSH D009386, MONDO:0015356.

Submissions (3):

Ambry Genetics
Classification: Pathogenic for Hereditary cancer-predisposing syndrome. Last evaluated: 2025-12-11. Review status: criteria provided, single submitter. Criteria: Ambry Variant Classification Scheme 2023. Collection method: clinical testing. Allele origin: germline.
Comment: The c.2123delA pathogenic mutation, located in coding exon 15 of the MSH3 gene, results from a deletion of one nucleotide at nucleotide position 2123, causing a translational frameshift with a predicted alternate stop codon (p.D708Afs*4). This variant is considered to be rare based on population cohorts in the Genome Aggregation Database (gnomAD). This alteration is expected to result in loss of function by premature protein truncation or nonsense-mediated mRNA decay. As such, this alteration is interpreted as a disease-causing mutation.

Labcorp Genetics (formerly Invitae), Labcorp
Classification: Pathogenic. Last evaluated: 2025-04-10. Review status: criteria provided, single submitter. Criteria: Invitae Variant Classification Sherloc (09022015). Collection method: clinical testing. Allele origin: germline.
Comment: This sequence change creates a premature translational stop signal (p.Asp708Alafs*4) in the MSH3 gene. It is expected to result in an absent or disrupted protein product. Loss-of-function variants in MSH3 are known to be pathogenic (PMID: 27476653, 37402566). This variant is not present in population databases (gnomAD no frequency). This variant has not been reported in the literature in individuals affected with MSH3-related conditions. ClinVar contains an entry for this variant (Variation ID: 2673518). Studies have shown that this premature translational stop signal is associated with inconclusive levels of altered splicing (internal data). For these reasons, this variant has been classified as Pathogenic.

Myriad Genetics, Inc.
Classification: Pathogenic for Familial adenomatous polyposis 4. Last evaluated: 2023-08-30. Review status: criteria provided, single submitter. Criteria: Myriad Autosomal Dominant, Autosomal Recessive and X-Linked Classification Criteria (2023). Collection method: clinical testing. Allele origin: unknown.
Comment: This variant is considered pathogenic. This variant creates a frameshift predicted to result in premature protein truncation.

Literature cited by the submitters: PubMed 27476653 (cited by Labcorp Genetics (formerly Invitae), Labcorp); PubMed 37402566 (cited by Labcorp Genetics (formerly Invitae), Labcorp).

NM_002439.5(MSH3):c.2123del (p.Asp708fs)

Gene: MSH3 (mutS homolog 3; plus strand). Cytogenetic location: 5q14.1.
Variant type: Deletion.
Coding change: c.2123del on transcript NM_002439.5 (MANE Select); coding-DNA position 2123, one base deleted (A; older notation c.2123delA).
Protein change: p.Asp708fs; shifts the reading frame from aspartic acid 708.
Molecular consequence: frameshift variant.
Genome position (GRCh38, 1-based): chr5:80,768,873, A deleted. VCF-style (leftmost placement, unchanged base first): chr5-80768872-GA-G. GRCh37 (hg19) VCF-style: chr5-80064691-GA-G.
Other names: c.2123delA (NM_002439.3); short protein forms D708fs.
Identifiers: ClinVar variation 2673518 (VCV002673518.3), dbSNP rs2546774227, ClinGen allele CA2695198672.